The following is an entry in ClinVar:

ClinVar aggregate classification (germline): Uncertain significance (1 of 4 stars; one submission).

Allele frequency attached by ClinVar (database versions not stated): gnomAD exomes below 0.00001; gnomAD 0.00001.
gnomAD v4.1: 2 of 1,507,162 alleles (0.00013%); highest among the groups gnomAD compares: Non-Finnish European, 0.00018%; no homozygotes.

Submission:

Labcorp Genetics (formerly Invitae), Labcorp
Classification: Uncertain significance. Last evaluated: 2021-10-18. Review status: criteria provided, single submitter. Criteria: Invitae Variant Classification Sherloc (09022015). Collection method: clinical testing. Allele origin: germline.
Comment: This sequence change replaces isoleucine with phenylalanine at codon 7 of the PDE8B protein (p.Ile7Phe). The isoleucine residue is weakly conserved and there is a small physicochemical difference between isoleucine and phenylalanine. This variant is not present in population databases (ExAC no frequency). This variant has not been reported in the literature in individuals affected with PDE8B-related conditions. Algorithms developed to predict the effect of missense changes on protein structure and function are either unavailable or do not agree on the potential impact of this missense change (SIFT: "Tolerated"; PolyPhen-2: "Probably Damaging"; Align-GVGD: "Class C0"). In summary, the available evidence is currently insufficient to determine the role of this variant in disease. Therefore, it has been classified as a Variant of Uncertain Significance.

NM_003719.5(PDE8B):c.19A>T (p.Ile7Phe)

Gene: PDE8B (phosphodiesterase 8B; plus strand). Cytogenetic location: 5q13.3.
Variant type: single nucleotide variant.
Coding change: c.19A>T on transcript NM_003719.5 (MANE Select); coding-DNA position 19, A replaced by T.
Protein change: p.Ile7Phe; replaces isoleucine 7 with phenylalanine.
Molecular consequence: missense variant. On other transcripts: intron variant (14).
Genome position (GRCh38, 1-based): chr5:77,210,944, A>T. VCF-style: chr5-77210944-A-T. GRCh37 (hg19) VCF-style: chr5-76506769-A-T.
Other names: c.19A>T, p.Ile7Phe (NM_001029851.4, NM_001029852.4, NM_001029853.4 and 7 more transcripts); c.36+30458A>T (NM_001349750.3, NM_001376069.1, NM_001376062.1 and 7 more transcripts); c.-336-15A>T (NM_001349753.2); c.-34+898A>T (NM_001376067.1, NM_001376075.1); c.-31+898A>T (NM_001376068.1); short protein forms I7F.
Identifiers: ClinVar variation 1482681 (VCV001482681.6), dbSNP rs1176143656, ClinGen allele CA360326254.